The following is an entry in ClinVar:

ClinVar aggregate classification (germline): Pathogenic. Review status: criteria provided, multiple submitters, no conflicts (2 of 4 stars). 2 submissions from 2 submitters: Pathogenic (2). Last evaluated 2021-05-19.

Conditions:
Pontocerebellar hypoplasia type 1A (PCH1A). Also called: PONTOCEREBELLAR HYPOPLASIA WITH ANTERIOR HORN CELL DISEASE; PONTOCEREBELLAR HYPOPLASIA WITH INFANTILE SPINAL MUSCULAR ATROPHY. Identifiers: Orphanet 2254, Orphanet 88616, MedGen C1843504, MONDO:0011866, OMIM 607596.
Inborn genetic diseases. Identifiers: MedGen C0950123, MeSH D030342.

Submissions (2):

Labcorp Genetics (formerly Invitae), Labcorp
Classification: Pathogenic for Pontocerebellar hypoplasia type 1A. Last evaluated: 2021-05-19. Review status: criteria provided, single submitter. Criteria: Invitae Variant Classification Sherloc (09022015). Collection method: clinical testing. Allele origin: germline.
Comment: This sequence change creates a premature translational stop signal (p.Glu60Valfs*5) in the VRK1 gene. It is expected to result in an absent or disrupted protein product. Loss-of-function variants in VRK1 are known to be pathogenic (PMID: 19646678, 24126608, 27281532). This variant is not present in population databases (ExAC no frequency). This variant has not been reported in the literature in individuals with VRK1-related conditions. For these reasons, this variant has been classified as Pathogenic.

Ambry Genetics
Classification: Pathogenic for Inborn genetic diseases. Last evaluated: 2021-04-14. Review status: criteria provided, single submitter. Criteria: Ambry Variant Classification Scheme 2023. Collection method: clinical testing. Allele origin: germline.
Comment: The c.179_180delAG pathogenic mutation, located in coding exon 2 of the VRK1 gene, results from a deletion of two nucleotides at nucleotide positions 179 to 180, causing a translational frameshift with a predicted alternate stop codon (p.E60Vfs*5). This variant was not reported in population-based cohorts in the Genome Aggregation Database (gnomAD). This alteration is expected to result in loss of function by premature protein truncation or nonsense-mediated mRNA decay. As such, this alteration is interpreted as a disease-causing mutation.

Literature cited by the submitters: PubMed 19646678 (cited by Labcorp Genetics (formerly Invitae), Labcorp); PubMed 24126608 (cited by Labcorp Genetics (formerly Invitae), Labcorp); PubMed 27281532 (cited by Labcorp Genetics (formerly Invitae), Labcorp).

NM_003384.3(VRK1):c.179_180del (p.Glu60fs)

Gene: VRK1 (VRK serine/threonine kinase 1; plus strand). Cytogenetic location: 14q32.2.
Variant type: Microsatellite.
Coding change: c.179_180del on transcript NM_003384.3 (MANE Select); coding-DNA positions 179 to 180, 2 bases deleted (AG; older notation c.179_180delAG).
Protein change: p.Glu60fs; shifts the reading frame from glutamic acid 60.
Molecular consequence: frameshift variant.
Genome position (GRCh38, 1-based): chr14:96,837,780-96,837,781, AG deleted; deleting any 2 consecutive bases within chr14:96,837,778-96,837,781 gives the same sequence; the c. name uses the placement nearest the transcript's 3' end. VCF-style (leftmost placement, unchanged base first): chr14-96837777-CAG-C. GRCh37 (hg19) VCF-style: chr14-97304114-CAG-C.
Other names: short protein forms E60fs.
Identifiers: ClinVar variation 1453030 (VCV001453030.9), dbSNP rs2139759363, ClinGen allele CA2580613759.